The following is an entry in ClinVar:

NC_000019.9:g.(?_45871868)_(45873798_?)del

Gene: ERCC2 (ERCC excision repair 2, TFIIH core complex helicase subunit; minus strand). Cytogenetic location: 19q13.32.
Variant type: Deletion.
Identifiers: ClinVar variation 1456616 (VCV001456616.4).

ClinVar aggregate classification (germline): Pathogenic (1 of 4 stars; one submission).

Submission:

Labcorp Genetics (formerly Invitae), Labcorp
Classification: Pathogenic. Last evaluated: 2023-10-30. Review status: criteria provided, single submitter. Criteria: Invitae Variant Classification Sherloc (09022015). Collection method: clinical testing. Allele origin: germline.
Comment: This variant is a gross deletion of the genomic region encompassing exon(s) 1-5 of the ERCC2 gene, which includes the initiator codon. This deletion extends beyond the assayed region for this gene and therefore may encompass additional genes. It is expected to result in an absent or disrupted protein product. Loss-of-function variants in ERCC2 are known to be pathogenic (PMID: 9238033, 11335038, 19085937, 19934020). This variant has not been reported in the literature in individuals affected with ERCC2-related conditions. For these reasons, this variant has been classified as Pathogenic.

Literature cited by the submitters: PubMed 9238033; PubMed 11335038; PubMed 19085937; PubMed 19934020.